The following is an entry in ClinVar:

ClinVar aggregate classification (germline): Likely benign. Review status: criteria provided, multiple submitters, no conflicts (2 of 4 stars). 4 submissions from 4 submitters: Likely benign (3). 1 of the submissions does not count toward it. Last evaluated 2026-04-01.

Conditions:
Early-infantile DEE. Also called: Early infantile epileptic encephalopathy; Ohtahara syndrome; Early infantile epileptic encephalopathy with suppression bursts. Identifiers: Orphanet 1934, MedGen C0393706, MONDO:0800491.
Inborn genetic diseases. Identifiers: MedGen C0950123, MeSH D030342.
HCN1-related disorder. Also called: HCN1-related disorders; HCN1-related condition.

Allele frequency attached by ClinVar (database versions not stated): ExAC 0.00007; TOPMed 0.00008; gnomAD exomes 0.00011.
gnomAD v4.1: 33 of 1,613,206 alleles (0.002%); highest among the groups gnomAD compares: Admixed American, 0.055%; no homozygotes.

Submissions (4):

CeGaT Center for Human Genetics Tuebingen
Classification: Likely benign. Last evaluated: 2026-04-01. Review status: criteria provided, single submitter. Criteria: CeGaT Center For Human Genetics Tuebingen Variant Classification Criteria Version 2. Collection method: clinical testing. Allele origin: germline. Affected: yes. Observed: 1 variant allele.
Comment: HCN1: BP4, BS2

Labcorp Genetics (formerly Invitae), Labcorp
Classification: Likely benign for Early-infantile DEE. Last evaluated: 2025-12-15. Review status: criteria provided, single submitter. Criteria: Invitae Variant Classification Sherloc (09022015). Collection method: clinical testing. Allele origin: germline.

Ambry Genetics
Classification: Likely benign for Inborn genetic diseases. Last evaluated: 2021-12-07. Review status: criteria provided, single submitter. Criteria: Ambry Variant Classification Scheme 2023. Collection method: clinical testing. Allele origin: germline.

PreventionGenetics, part of Exact Sciences
Classification: Likely benign for HCN1-related condition. Last evaluated: 2023-05-04. Review status: no assertion criteria provided. Collection method: clinical testing. Allele origin: germline. Not counted in ClinVar's aggregate classification.
Comment: This variant is classified as likely benign based on ACMG/AMP sequence variant interpretation guidelines (Richards et al. 2015 PMID: 25741868, with internal and published modifications).

NM_021072.4(HCN1):c.2251C>G (p.Pro751Ala)

Gene: HCN1 (hyperpolarization activated cyclic nucleotide gated potassium channel 1; minus strand). Cytogenetic location: 5p12.
Variant type: single nucleotide variant.
Coding change: c.2251C>G on transcript NM_021072.4 (MANE Select); coding-DNA position 2251, C replaced by G.
Protein change: p.Pro751Ala; replaces proline 751 with alanine.
Molecular consequence: missense variant.
Genome position (GRCh38, 1-based): chr5:45,262,343, G>C on the plus strand (C>G on the coding strand, the complement: HCN1 is on the minus strand). VCF-style: chr5-45262343-G-C. GRCh37 (hg19) VCF-style: chr5-45262445-G-C.
Other names: short protein forms P751A.
Identifiers: ClinVar variation 588384 (VCV000588384.19), dbSNP rs758226055, ClinGen allele CA3259140.
Genomic context (GRCh38, chr5:45,262,343, plus strand): 5'-TGCTCTTGTGCACTTCATTTTTCGGCGTGGAGCTGCCAGGTGTCTGTGGCTGCGGGGACG[G>C]CTGCTGTGGCTGAGTCTGCGGCGGCTGGGACTGCTGTACCTGCTGCTGCGGCTGCTGTTG-3'
Protein context (NP_066550.2, residues 741-761): SQPPQTQPQQ[Pro751Ala]SPQPQTPGSS